The following is an entry in ClinVar:

ClinVar aggregate classification (germline): Pathogenic. Review status: criteria provided, multiple submitters, no conflicts (2 of 4 stars). 3 submissions from 3 submitters: Pathogenic (3). Last evaluated 2023-08-28.

Conditions:
Lynch syndrome 5 (LYNCH5). Also called: Hereditary non-polyposis colorectal cancer, type 5; Colorectal cancer, hereditary nonpolyposis, type 5. Identifiers: Orphanet 144, MedGen C1833477, MONDO:0013710, OMIM 614350. Disease mechanism: loss of function.
Hereditary nonpolyposis colorectal neoplasms. Identifiers: MedGen C0009405, MeSH D003123.
Hereditary cancer-predisposing syndrome. Also called: Hereditary Cancer Syndrome; Neoplastic Syndromes, Hereditary; Hereditary neoplastic syndrome; Tumor predisposition. Identifiers: Orphanet 140162, MedGen C0027672, MeSH D009386, MONDO:0015356.

Submissions (3):

Myriad Genetics, Inc.
Classification: Pathogenic for Lynch syndrome 5. Last evaluated: 2023-08-28. Review status: criteria provided, single submitter. Criteria: Myriad Autosomal Dominant, Autosomal Recessive and X-Linked Classification Criteria (2023). Collection method: clinical testing. Allele origin: unknown.
Comment: This variant is considered pathogenic. This variant creates a frameshift predicted to result in premature protein truncation.

Labcorp Genetics (formerly Invitae), Labcorp
Classification: Pathogenic for Hereditary nonpolyposis colorectal neoplasms. Last evaluated: 2023-05-07. Review status: criteria provided, single submitter. Criteria: Invitae Variant Classification Sherloc (09022015). Collection method: clinical testing. Allele origin: germline.
Comment: For these reasons, this variant has been classified as Pathogenic. This variant disrupts a region of the MSH6 protein in which other variant(s) (p.Arg1331*) have been determined to be pathogenic (PMID: 16034045, 16418736, 18301448, 20587412, 21056691, 21642682, 26318770, 27601186). This suggests that this is a clinically significant region of the protein, and that variants that disrupt it are likely to be disease-causing. ClinVar contains an entry for this variant (Variation ID: 428429). This variant has not been reported in the literature in individuals affected with MSH6-related conditions. This variant is not present in population databases (gnomAD no frequency). This sequence change creates a premature translational stop signal (p.His1317Glnfs*7) in the MSH6 gene. While this is not anticipated to result in nonsense mediated decay, it is expected to disrupt the last 44 amino acid(s) of the MSH6 protein.

Ambry Genetics
Classification: Pathogenic for Hereditary cancer-predisposing syndrome. Last evaluated: 2016-06-30. Review status: criteria provided, single submitter. Criteria: Ambry Variant Classification Scheme 2023. Collection method: clinical testing. Allele origin: germline.
Comment: The c.3951_3952delTA pathogenic mutation, located in coding exon 9 of the MSH6 gene, results from a deletion of two nucleotides between nucleotide positions 3951 and 3952, causing a translational frameshift with a predicted alternate stop codon. Since frameshifts are typically deleterious in nature, this alteration is interpreted as a disease-causing mutation (ACMG Recommendations for Standards for Interpretation and Reporting of Sequence Variations. Revision 2007. Genet Med. 2008;10:294).

Literature cited by the submitters: PubMed 16034045 (cited by Labcorp Genetics (formerly Invitae), Labcorp); PubMed 16418736 (cited by Labcorp Genetics (formerly Invitae), Labcorp); PubMed 18301448 (cited by Labcorp Genetics (formerly Invitae), Labcorp); PubMed 20587412 (cited by Labcorp Genetics (formerly Invitae), Labcorp); PubMed 21056691 (cited by Labcorp Genetics (formerly Invitae), Labcorp); PubMed 21642682 (cited by Labcorp Genetics (formerly Invitae), Labcorp); PubMed 26318770 (cited by Labcorp Genetics (formerly Invitae), Labcorp); PubMed 27601186 (cited by Labcorp Genetics (formerly Invitae), Labcorp).

NM_000179.3(MSH6):c.3951_3952del (p.His1317fs)

Gene: MSH6 (mutS homolog 6; plus strand). Cytogenetic location: 2p16.3.
Variant type: Deletion.
Coding change: c.3951_3952del on transcript NM_000179.3 (MANE Select); coding-DNA positions 3951 to 3952, 2 bases deleted (TA; older notation c.3951_3952delTA).
Protein change: p.His1317fs; shifts the reading frame from histidine 1317.
Molecular consequence: frameshift variant.
Genome position (GRCh38, 1-based): chr2:47,806,601-47,806,602, TA deleted; deleting any 2 consecutive bases within chr2:47,806,600-47,806,602 gives the same sequence; the c. name uses the placement nearest the transcript's 3' end. VCF-style (leftmost placement, unchanged base first): chr2-47806599-CAT-C. GRCh37 (hg19) VCF-style: chr2-48033738-CAT-C.
Other names: c.3561_3562del, p.His1187fs (NM_001281492.2); c.3045_3046del, p.His1015fs (NM_001281493.2, NM_001281494.2); c.3951_3952delTA (NM_000179.2); short protein forms H1015fs, H1187fs, H1317fs.
Identifiers: ClinVar variation 428429 (VCV000428429.15), dbSNP rs1114167790, ClinGen allele CA645369288.